The following is an entry in ClinVar:

ClinVar aggregate classification (germline): Uncertain significance (1 of 4 stars; one submission).

Submission:

Labcorp Genetics (formerly Invitae), Labcorp
Classification: Uncertain significance. Last evaluated: 2024-12-02. Review status: criteria provided, single submitter. Criteria: Invitae Variant Classification Sherloc (09022015). Collection method: clinical testing. Allele origin: germline.
Comment: This sequence change replaces alanine, which is neutral and non-polar, with glycine, which is neutral and non-polar, at codon 1206 of the TANC2 protein (p.Ala1206Gly). This variant is not present in population databases (gnomAD no frequency). This variant has not been reported in the literature in individuals affected with TANC2-related conditions. An algorithm developed to predict the effect of missense changes on protein structure and function (PolyPhen-2) suggests that this variant is likely to be disruptive. In summary, the available evidence is currently insufficient to determine the role of this variant in disease. Therefore, it has been classified as a Variant of Uncertain Significance.

NM_001394998.1(TANC2):c.3839C>G (p.Ala1280Gly)

Genes: TANC2 (tetratricopeptide repeat, ankyrin repeat and coiled-coil containing 2; plus strand), LOC105371856 (uncharacterized LOC105371856; minus strand). Cytogenetic location: 17q23.3.
Variant type: single nucleotide variant.
Coding change: c.3839C>G on transcript NM_001394998.1 (MANE Select); coding-DNA position 3839, C replaced by G.
Protein change: p.Ala1280Gly; replaces alanine 1280 with glycine.
Molecular consequence: missense variant.
Genome position (GRCh38, 1-based): chr17:63,412,071, C>G. VCF-style: chr17-63412071-C-G. GRCh37 (hg19) VCF-style: chr17-61489432-C-G.
Other names: c.3617C>G, p.Ala1206Gly (NM_001411076.1, NM_025185.4); short protein forms A1206G, A1280G.
Identifiers: ClinVar variation 3726497 (VCV003726497.1).